The following is an entry in ClinVar:

NM_000191.3(HMGCL):c.799C>T (p.Pro267Ser)

Gene: HMGCL (3-hydroxy-3-methylglutaryl-CoA lyase; minus strand). Cytogenetic location: 1p36.11.
Variant type: single nucleotide variant.
Coding change: c.799C>T on transcript NM_000191.3 (MANE Select); coding-DNA position 799, C replaced by T.
Protein change: p.Pro267Ser; replaces proline 267 with serine.
Molecular consequence: missense variant.
Genome position (GRCh38, 1-based): chr1:23,804,477, G>A on the plus strand (C>T on the coding strand, the complement: HMGCL is on the minus strand). VCF-style: chr1-23804477-G-A. GRCh37 (hg19) VCF-style: chr1-24130967-G-A.
Other names: c.586C>T, p.Pro196Ser (NM_001166059.2); short protein forms P267S, P196S.
Identifiers: ClinVar variation 1489777 (VCV001489777.6), dbSNP rs1220289416, ClinGen allele CA339021219.

ClinVar aggregate classification (germline): Uncertain significance (1 of 4 stars; one submission).

Conditions:
Deficiency of hydroxymethylglutaryl-CoA lyase (HMGCLD). Also called: Defect in leucine metabolism; 3-hydroxy-3-methylglutaric aciduria; HMG-CoA LYASE DEFICIENCY; HMGCL DEFICIENCY; HYDROXYMETHYLGLUTARIC ACIDURIA. Identifiers: Orphanet 20, MedGen C1533587, MONDO:0009520, OMIM 246450.

Allele frequency attached by ClinVar (database versions not stated): gnomAD exomes below 0.00001.
gnomAD v4.1: 1 of 1,614,016 alleles (0.000062%); highest among the groups gnomAD compares: Admixed American, 0.0017%; no homozygotes.

Submission:

Labcorp Genetics (formerly Invitae), Labcorp
Classification: Uncertain significance for Deficiency of hydroxymethylglutaryl-CoA lyase. Last evaluated: 2023-05-08. Review status: criteria provided, single submitter. Criteria: Invitae Variant Classification Sherloc (09022015). Collection method: clinical testing. Allele origin: germline.
Comment: This sequence change replaces proline, which is neutral and non-polar, with serine, which is neutral and polar, at codon 267 of the HMGCL protein (p.Pro267Ser). This variant is present in population databases (no rsID available, gnomAD 0.003%). This variant has not been reported in the literature in individuals affected with HMGCL-related conditions. ClinVar contains an entry for this variant (Variation ID: 1489777). An algorithm developed to predict the effect of missense changes on protein structure and function (PolyPhen-2) suggests that this variant is likely to be disruptive. In summary, the available evidence is currently insufficient to determine the role of this variant in disease. Therefore, it has been classified as a Variant of Uncertain Significance.